The following is an entry in ClinVar:

NM_004006.3(DMD):c.9826A>G (p.Ile3276Val)

Gene: DMD (dystrophin; minus strand). Cytogenetic location: Xp21.2.
Variant type: single nucleotide variant.
Coding change: c.9826A>G on transcript NM_004006.3 (MANE Select); coding-DNA position 9826, A replaced by G.
Protein change: p.Ile3276Val; replaces isoleucine 3276 with valine.
Molecular consequence: missense variant.
Genome position (GRCh38, 1-based): chrX:31,182,886, T>C on the plus strand (A>G on the coding strand, the complement: DMD is on the minus strand). VCF-style: chrX-31182886-T-C. GRCh37 (hg19) VCF-style: chrX-31201003-T-C.
Other names: c.9802A>G, p.Ile3268Val (NM_000109.4); c.9814A>G, p.Ile3272Val (NM_004009.3); c.9457A>G, p.Ile3153Val (NM_004010.3); c.5803A>G, p.Ile1935Val (NM_004011.4); c.5794A>G, p.Ile1932Val (NM_004012.4); c.2446A>G, p.Ile816Val (NM_004013.3, NM_004020.4, NM_004021.3 and 2 more transcripts); c.1639A>G, p.Ile547Val (NM_004014.3); c.622A>G, p.Ile208Val (NM_004015.3, NM_004016.3, NM_004017.3 and 2 more transcripts); short protein forms I3153V, I3276V, I547V, I816V, I1935V, I3272V, I1932V, I208V.
Identifiers: ClinVar variation 1395513 (VCV001395513.5), dbSNP rs2148335494, ClinGen allele CA412653631.
Genomic context (GRCh38, chrX:31,182,886, plus strand): 5'-GCAGCCACACCATGGACTGGGGTTCCAGTCTCATCCAGTCTAGGAAGAGGGCCGCTTCGA[T>C]CTCTGGCTTATTATTAGCCTGCAAAGACAGGAGGGAGAGAGAAGGAGGGCAAAAGGATGA-3'
Protein context (NP_003997.2, residues 3266-3286): CFQFANNKPE[Ile3276Val]EAALFLDWMR

ClinVar aggregate classification (germline): Uncertain significance (1 of 4 stars; one submission).

Conditions:
Duchenne muscular dystrophy (DMD). Also called: MUSCULAR DYSTROPHY, PSEUDOHYPERTROPHIC PROGRESSIVE, DUCHENNE TYPE; Duchenne Muscular Dystrophy (DMD). Identifiers: Orphanet 98896, MedGen C0013264, MONDO:0010679, OMIM 310200.

gnomAD v4.1: 2 of 1,208,352 alleles (0.00017%); highest among the groups gnomAD compares: South Asian, 0.0018%; no homozygotes.

Submission:

Labcorp Genetics (formerly Invitae), Labcorp
Classification: Uncertain significance for Duchenne muscular dystrophy. Last evaluated: 2022-08-16. Review status: criteria provided, single submitter. Criteria: Invitae Variant Classification Sherloc (09022015). Collection method: clinical testing. Allele origin: germline.
Comment: This sequence change replaces isoleucine, which is neutral and non-polar, with valine, which is neutral and non-polar, at codon 3276 of the DMD protein (p.Ile3276Val). This variant is not present in population databases (gnomAD no frequency). This variant has not been reported in the literature in individuals affected with DMD-related conditions. ClinVar contains an entry for this variant (Variation ID: 1395513). Algorithms developed to predict the effect of missense changes on protein structure and function are either unavailable or do not agree on the potential impact of this missense change (SIFT: "Deleterious"; PolyPhen-2: "Benign"; Align-GVGD: "Class C25"). In summary, the available evidence is currently insufficient to determine the role of this variant in disease. Therefore, it has been classified as a Variant of Uncertain Significance.